The following is an entry in ClinVar:

NM_000426.4(LAMA2):c.428_432del (p.Ala143fs)

Gene: LAMA2 (laminin subunit alpha 2; plus strand). Cytogenetic location: 6q22.33.
Variant type: Deletion.
Coding change: c.428_432del on transcript NM_000426.4 (MANE Select); coding-DNA positions 428 to 432, 5 bases deleted (CAGCT; older notation c.428_432delCAGCT).
Protein change: p.Ala143fs; shifts the reading frame from alanine 143.
Molecular consequence: frameshift variant.
Genome position (GRCh38, 1-based): chr6:129,098,204-129,098,208, CAGCT deleted. VCF-style (leftmost placement, unchanged base first): chr6-129098203-GCAGCT-G. GRCh37 (hg19) VCF-style: chr6-129419348-GCAGCT-G.
Other names: c.428_432del, p.Ala143fs (NM_001079823.2); short protein forms A143fs.
Identifiers: ClinVar variation 2717449 (VCV002717449.3), dbSNP rs2482427460, ClinGen allele CA2697553686.

ClinVar aggregate classification (germline): Pathogenic (1 of 4 stars; one submission).

Conditions:
LAMA2-related muscular dystrophy (LAMA2-RD). Also called: Laminin alpha 2-related dystrophy. Identifiers: MedGen C5679788, MONDO:0100228.

Submission:

Labcorp Genetics (formerly Invitae), Labcorp
Classification: Pathogenic for LAMA2-related muscular dystrophy. Last evaluated: 2023-06-16. Review status: criteria provided, single submitter. Criteria: Invitae Variant Classification Sherloc (09022015). Collection method: clinical testing. Allele origin: germline.
Comment: For these reasons, this variant has been classified as Pathogenic. This variant has not been reported in the literature in individuals affected with LAMA2-related conditions. This variant is not present in population databases (gnomAD no frequency). This sequence change creates a premature translational stop signal (p.Ala143Glufs*15) in the LAMA2 gene. It is expected to result in an absent or disrupted protein product. Loss-of-function variants in LAMA2 are known to be pathogenic (PMID: 18700894, 32904964).

Literature cited by the submitters: PubMed 18700894; PubMed 32904964.